The following is an entry in ClinVar:

NM_172351.3(CD46):c.715A>G (p.Ile239Val)

Gene: CD46 (CD46 molecule; plus strand). Cytogenetic location: 1q32.2.
Variant type: single nucleotide variant.
Coding change: c.715A>G on transcript NM_172351.3 (MANE Select); coding-DNA position 715, A replaced by G.
Protein change: p.Ile239Val; replaces isoleucine 239 with valine.
Molecular consequence: missense variant.
Genome position (GRCh38, 1-based): chr1:207,767,054, A>G. VCF-style: chr1-207767054-A-G. GRCh37 (hg19) VCF-style: chr1-207940399-A-G.
Other names: c.715A>G, p.Ile239Val (NM_002389.4, NM_153826.4, NM_172350.3 and 8 more transcripts); short protein forms I239V.
Identifiers: ClinVar variation 2956754 (VCV002956754.4), dbSNP rs557590325, ClinGen allele CA1371716.

ClinVar aggregate classification (germline): Conflicting classifications of pathogenicity. Review status: criteria provided, conflicting classifications (1 of 4 stars). 2 submissions from 2 submitters: Uncertain significance (1); Likely benign (1). Last evaluated 2025-07-12.

Allele frequency attached by ClinVar (database versions not stated): gnomAD exomes 0.00003; TOPMed 0.00003; ExAC 0.00005.
gnomAD v4.1: 15 of 1,613,842 alleles (0.00093%); highest among the groups gnomAD compares: Admixed American, 0.017%; no homozygotes.

Submissions (2):

Ambry Genetics
Classification: Likely benign. Last evaluated: 2025-07-12. Review status: criteria provided, single submitter. Criteria: Ambry Variant Classification Scheme 2023. Collection method: clinical testing. Allele origin: germline.

Labcorp Genetics (formerly Invitae), Labcorp
Classification: Uncertain significance. Last evaluated: 2023-12-01. Review status: criteria provided, single submitter. Criteria: Invitae Variant Classification Sherloc (09022015). Collection method: clinical testing. Allele origin: germline.
Comment: This sequence change replaces isoleucine, which is neutral and non-polar, with valine, which is neutral and non-polar, at codon 239 of the CD46 protein (p.Ile239Val). This variant is present in population databases (rs557590325, gnomAD 0.03%). This variant has not been reported in the literature in individuals affected with CD46-related conditions. Advanced modeling of protein sequence and biophysical properties (such as structural, functional, and spatial information, amino acid conservation, physicochemical variation, residue mobility, and thermodynamic stability) performed at Invitae indicates that this missense variant is not expected to disrupt CD46 protein function with a negative predictive value of 80%. In summary, the available evidence is currently insufficient to determine the role of this variant in disease. Therefore, it has been classified as a Variant of Uncertain Significance.